The following is an entry in ClinVar:

ClinVar aggregate classification (germline): Pathogenic (1 of 4 stars; one submission).

Conditions:
Exostoses, multiple, type 2 (EXT2). Also called: EXOSTOSES, MULTIPLE, TYPE II; Hereditary Multiple Osteochondromatosis, Type II. Identifiers: Orphanet 321, MedGen C1851413, MONDO:0007586, OMIM 133701.

Submission:

Labcorp Genetics (formerly Invitae), Labcorp
Classification: Pathogenic for Exostoses, multiple, type 2. Last evaluated: 2023-05-06. Review status: criteria provided, single submitter. Criteria: Invitae Variant Classification Sherloc (09022015). Collection method: clinical testing. Allele origin: germline.
Comment: For these reasons, this variant has been classified as Pathogenic. ClinVar contains an entry for this variant (Variation ID: 1454141). This variant has not been reported in the literature in individuals affected with EXT2-related conditions. This variant is not present in population databases (gnomAD no frequency). This sequence change creates a premature translational stop signal (p.Phe30Serfs*29) in the EXT2 gene. It is expected to result in an absent or disrupted protein product. Loss-of-function variants in EXT2 are known to be pathogenic (PMID: 10679937, 19810120).

Literature cited by the submitters: PubMed 10679937; PubMed 19810120.

NM_207122.2(EXT2):c.89del (p.Phe30fs)

Gene: EXT2 (exostosin glycosyltransferase 2; plus strand). Cytogenetic location: 11p11.2.
Variant type: Deletion.
Coding change: c.89del on transcript NM_207122.2 (MANE Select); coding-DNA position 89, one base deleted (T; older notation c.89delT).
Protein change: p.Phe30fs; shifts the reading frame from phenylalanine 30.
Molecular consequence: frameshift variant.
Genome position (GRCh38, 1-based): chr11:44,107,801, T deleted; the last of 2 consecutive T bases (chr11:44,107,800-44,107,801); deleting either gives the same sequence. VCF-style (leftmost placement, unchanged base first): chr11-44107799-CT-C. GRCh37 (hg19) VCF-style: chr11-44129349-CT-C.
Other names: c.188del, p.Phe63fs (NM_000401.3); c.89del, p.Phe30fs (NM_001178083.3, NM_001389628.1, NM_001389630.1); short protein forms F30fs, F63fs.
Identifiers: ClinVar variation 1454141 (VCV001454141.6), dbSNP rs2134965481, ClinGen allele CA2573146274.
Genomic context (GRCh38, chr11:44,107,799, plus strand): 5'-CCGGGGTCCTGCCCTCATCCCAAGAATGAAGACCAAGCACCGAATCTACTATATCACCCT[CT>C]TCTCCATTGTCCTCCTGGGCCTCATTGCCACTGGCATGTTTCAGTTTTGGCCCCATTCTA-3'